The following is an entry in ClinVar:

NM_004006.3(DMD):c.4858G>C (p.Glu1620Gln)

Gene: DMD (dystrophin; minus strand). Cytogenetic location: Xp21.1.
Variant type: single nucleotide variant.
Coding change: c.4858G>C on transcript NM_004006.3 (MANE Select); coding-DNA position 4858, G replaced by C.
Protein change: p.Glu1620Gln; replaces glutamic acid 1620 with glutamine.
Molecular consequence: missense variant.
Genome position (GRCh38, 1-based): chrX:32,365,187, C>G on the plus strand (G>C on the coding strand, the complement: DMD is on the minus strand). VCF-style: chrX-32365187-C-G. GRCh37 (hg19) VCF-style: chrX-32383304-C-G.
Other names: c.4834G>C, p.Glu1612Gln (NM_000109.4); c.4846G>C, p.Glu1616Gln (NM_004009.3); c.4489G>C, p.Glu1497Gln (NM_004010.3); c.835G>C, p.Glu279Gln (NM_004011.4); c.826G>C, p.Glu276Gln (NM_004012.4); c.4858G>C (NM_004006.2); short protein forms E1497Q, E1616Q, E279Q, E1612Q, E1620Q, E276Q.
Identifiers: ClinVar variation 1047689 (VCV001047689.11), dbSNP rs1060502645, ClinGen allele CA412672583.
Genomic context (GRCh38, chrX:32,365,187, plus strand): 5'-TTTTCAAGGCCTCTCCTACCTCTGTGATACTCTTCAGGTGCACCTTCTGTTTCTCAATCT[C>G]TTTTTGAGTAGCCTGTGAAAAGGAGAGCATTGACCTTCAAGTAATGTCTTGTAGTCTTAA-3'
Protein context (NP_003997.2, residues 1610-1630): EVAWGKATQK[Glu1620Gln]IEKQKVHLKS

ClinVar aggregate classification (germline): Uncertain significance. Review status: criteria provided, multiple submitters, no conflicts (2 of 4 stars). 4 submissions from 4 submitters: Uncertain significance (3). 1 of the submissions does not count toward it. Last evaluated 2026-01-21.

Conditions:
Becker muscular dystrophy (BMD). Also called: Becker Muscular Dystrophy (BMD); MUSCULAR DYSTROPHY, PSEUDOHYPERTROPHIC PROGRESSIVE, BECKER TYPE. Identifiers: Orphanet 98895, MedGen C0917713, MONDO:0010311, OMIM 300376.
Cardiomyopathy (CMYO). Also called: Cardiomyopathies. Identifiers: Orphanet 167848, MedGen C0878544, MONDO:0004994, HP:0001638. Inheritance: Various modes of inheritance.
Duchenne muscular dystrophy (DMD). Also called: Duchenne Muscular Dystrophy (DMD); MUSCULAR DYSTROPHY, PSEUDOHYPERTROPHIC PROGRESSIVE, DUCHENNE TYPE. Identifiers: Orphanet 98896, MedGen C0013264, MONDO:0010679, OMIM 310200.
Dystrophin deficiency.
Cardiovascular phenotype. Identifiers: MedGen CN230736.

Allele frequency attached by ClinVar (database versions not stated): gnomAD exomes below 0.00001.
gnomAD v4.1: 3 of 1,210,478 alleles (0.00025%); highest among the groups gnomAD compares: Non-Finnish European, 0.00034%; no homozygotes.

Submissions (4):

Ambry Genetics
Classification: Uncertain significance for Cardiovascular phenotype. Last evaluated: 2026-01-21. Review status: criteria provided, single submitter. Criteria: Ambry Variant Classification Scheme 2023. Collection method: clinical testing. Allele origin: germline.
Comment: The p.E1620Q variant (also known as c.4858G>C), located in coding exon 35 of the DMD gene, results from a G to C substitution at nucleotide position 4858. The glutamic acid at codon 1620 is replaced by glutamine, an amino acid with highly similar properties. This amino acid position is conserved. In addition, the in silico prediction for this alteration is inconclusive. Based on the available evidence, the clinical significance of this variant remains unclear.

Labcorp Genetics (formerly Invitae), Labcorp
Classification: Uncertain significance for Duchenne muscular dystrophy. Last evaluated: 2025-11-25. Review status: criteria provided, single submitter. Criteria: Invitae Variant Classification Sherloc (09022015). Collection method: clinical testing. Allele origin: germline.
Comment: This sequence change replaces glutamic acid, which is acidic and polar, with glutamine, which is neutral and polar, at codon 1620 of the DMD protein (p.Glu1620Gln). This variant is not present in population databases (gnomAD no frequency). This variant has not been reported in the literature in individuals affected with DMD-related conditions. ClinVar contains an entry for this variant (Variation ID: 1047689). Invitae Evidence Modeling of protein sequence and biophysical properties (such as structural, functional, and spatial information, amino acid conservation, physicochemical variation, residue mobility, and thermodynamic stability) indicates that this missense variant is not expected to disrupt DMD protein function with a negative predictive value of 95%. In summary, the available evidence is currently insufficient to determine the role of this variant in disease. Therefore, it has been classified as a Variant of Uncertain Significance.

Blueprint Genetics
Classification: Uncertain significance. Last evaluated: 2024-04-19. Review status: criteria provided, single submitter. Criteria: ACMG Guidelines, 2015. Collection method: clinical testing. Allele origin: germline.

Natera, Inc.
Classification: Uncertain significance for Becker muscular dystrophy; Cardiomyopathy; Duchenne muscular dystrophy; Dystrophin deficiency. Last evaluated: 2020-01-17. Review status: no assertion criteria provided. Collection method: clinical testing. Allele origin: germline. Not counted in ClinVar's aggregate classification.